The following is an entry in ClinVar:

ClinVar aggregate classification (germline): Likely benign (1 of 4 stars; one submission).

Allele frequency attached by ClinVar (database versions not stated): 1000 Genomes Project 30x 0.00874; 1000 Genomes Project 0.00879; TOPMed 0.02081; gnomAD 0.02243 and 0.02313.
gnomAD v4.1: 3,404 of 152,256 alleles (2.2%); highest among the groups gnomAD compares: Non-Finnish European, 3.4%; 66 homozygotes.

Submission:

GeneDx
Classification: Likely benign. Last evaluated: 2018-06-16. Review status: criteria provided, single submitter. Criteria: GeneDx Variant Classification (06012015). Collection method: clinical testing. Allele origin: germline. Affected: yes.
Comment: This variant is considered likely benign or benign based on one or more of the following criteria: it is a conservative change, it occurs at a poorly conserved position in the protein, it is predicted to be benign by multiple in silico algorithms, and/or has population frequency not consistent with disease.

NM_002834.5(PTPN11):c.643-340T>C

Gene: PTPN11 (protein tyrosine phosphatase non-receptor type 11; plus strand). Cytogenetic location: 12q24.13.
Variant type: single nucleotide variant.
Coding change: c.643-340T>C on transcript NM_002834.5 (MANE Select); 340 bases into the intron before coding-DNA position 643, T replaced by C.
Molecular consequence: intron variant.
Genome position (GRCh38, 1-based): chr12:112,455,610, T>C. VCF-style: chr12-112455610-T-C. GRCh37 (hg19) VCF-style: chr12-112893414-T-C.
Other names: c.643-340T>C (NM_001330437.2, NM_080601.3); c.640-340T>C (NM_001374625.1).
Identifiers: ClinVar variation 561880 (VCV000561880.1), dbSNP rs11066313, ClinGen allele CA243708418.
Genomic context (GRCh38, chr12:112,455,610, plus strand): 5'-TTTTAAAGCAAGTTTTCATTATAGATCCACTTCTGGTTACCTTTAGGTAACCTCACTTAT[T>C]CACTTTGGCATTGTTGCTATTTCAAATTTCACCTTTATGATAGTGGAAAATGATATAATC-3'